The following is an entry in ClinVar:

NM_014714.4(IFT140):c.1901+1G>T

Gene: IFT140 (intraflagellar transport 140; minus strand). Cytogenetic location: 16p13.3.
Variant type: single nucleotide variant.
Coding change: c.1901+1G>T on transcript NM_014714.4 (MANE Select); the canonical splice donor site of the intron after coding-DNA position 1901, G replaced by T.
Molecular consequence: splice donor variant.
Genome position (GRCh38, 1-based): chr16:1,566,160, C>A on the plus strand (G>T on the coding strand, the complement: IFT140 is on the minus strand). VCF-style: chr16-1566160-C-A. GRCh37 (hg19) VCF-style: chr16-1616161-C-A.
Identifiers: ClinVar variation 939285 (VCV000939285.11), dbSNP rs375910993, ClinGen allele CA7814102.

ClinVar aggregate classification (germline): Likely pathogenic. Review status: criteria provided, multiple submitters, no conflicts (2 of 4 stars). 2 submissions from 2 submitters: Likely pathogenic (2). Last evaluated 2025-04-16.

Conditions:
Saldino-Mainzer syndrome (SRTD9). Also called: CONORENAL SYNDROME; SHORT-RIB THORACIC DYSPLASIA 9 WITHOUT POLYDACTYLY; short-rib thoracic dysplasia 9 with or without polydactyly; Renal dysplasia, retinal pigmentary dystrophy, cerebellar ataxia and skeletal dysplasia. Identifiers: Orphanet 140969, MedGen C1849437, MONDO:0009964, OMIM 266920.
Retinitis pigmentosa 80 (RP80). Identifiers: MedGen C4540439, MONDO:0054708, OMIM 617781.

Allele frequency attached by ClinVar (database versions not stated): gnomAD exomes 0.00001 and 0.00002; ExAC 0.00002; TOPMed 0.00002; gnomAD 0.00003; ESP Exome Variant Server 0.00008.
gnomAD v4.1: 13 of 1,612,190 alleles (0.00081%); highest among the groups gnomAD compares: Non-Finnish European, 0.0011%; no homozygotes.

Submissions (2):

Labcorp Genetics (formerly Invitae), Labcorp
Classification: Likely pathogenic for Saldino-Mainzer syndrome. Last evaluated: 2025-04-16. Review status: criteria provided, single submitter. Criteria: Invitae Variant Classification Sherloc (09022015). Collection method: clinical testing. Allele origin: germline.
Comment: This sequence change affects a donor splice site in intron 16 of the IFT140 gene. It is expected to disrupt RNA splicing. Variants that disrupt the donor or acceptor splice site typically lead to a loss of protein function (PMID: 16199547), and loss-of-function variants in IFT140 are known to be pathogenic (PMID: 22503633, 23418020, 24009529, 26216056). This variant is present in population databases (rs375910993, gnomAD 0.004%). Disruption of this splice site has been observed in individual(s) with retinitis pigmentosa (internal data). ClinVar contains an entry for this variant (Variation ID: 939285). Algorithms developed to predict the effect of sequence changes on RNA splicing suggest that this variant may disrupt the consensus splice site. In summary, the currently available evidence indicates that the variant is pathogenic, but additional data are needed to prove that conclusively. Therefore, this variant has been classified as Likely Pathogenic.

Fulgent Genetics
Classification: Likely pathogenic for Saldino-Mainzer syndrome; Retinitis pigmentosa 80. Last evaluated: 2021-11-05. Review status: criteria provided, single submitter. Criteria: ACMG Guidelines, 2015. Collection method: clinical testing. Allele origin: unknown.

Literature cited by the submitters: PubMed 16199547 (cited by Labcorp Genetics (formerly Invitae), Labcorp); PubMed 22503633 (cited by Labcorp Genetics (formerly Invitae), Labcorp); PubMed 23418020 (cited by Labcorp Genetics (formerly Invitae), Labcorp); PubMed 24009529 (cited by Labcorp Genetics (formerly Invitae), Labcorp); PubMed 26216056 (cited by Labcorp Genetics (formerly Invitae), Labcorp).